The following is an entry in ClinVar:

NM_000553.6(WRN):c.1037C>T (p.Thr346Ile)

Gene: WRN (WRN RecQ like helicase; plus strand). Cytogenetic location: 8p12.
Variant type: single nucleotide variant.
Coding change: c.1037C>T on transcript NM_000553.6 (MANE Select); coding-DNA position 1037, C replaced by T.
Protein change: p.Thr346Ile; replaces threonine 346 with isoleucine.
Molecular consequence: missense variant.
Genome position (GRCh38, 1-based): chr8:31,081,064, C>T. VCF-style: chr8-31081064-C-T. GRCh37 (hg19) VCF-style: chr8-30938580-C-T.
Other names: short protein forms T346I.
Identifiers: ClinVar variation 528139 (VCV000528139.4), dbSNP rs1554520892, ClinGen allele CA370920373.

ClinVar aggregate classification (germline): Uncertain significance (1 of 4 stars; one submission).

Conditions:
Werner syndrome (WRN). Identifiers: Orphanet 902, MedGen C0043119, MONDO:0010196, OMIM 277700.

Allele frequency attached by ClinVar (database versions not stated): gnomAD exomes below 0.00001.
gnomAD v4.1: 1 of 1,613,958 alleles (0.000062%); highest among the groups gnomAD compares: Non-Finnish European, 0.000085%; no homozygotes.

Submission:

Labcorp Genetics (formerly Invitae), Labcorp
Classification: Uncertain significance for Werner syndrome. Last evaluated: 2025-03-12. Review status: criteria provided, single submitter. Criteria: Invitae Variant Classification Sherloc (09022015). Collection method: clinical testing. Allele origin: germline.
Comment: This sequence change replaces threonine, which is neutral and polar, with isoleucine, which is neutral and non-polar, at codon 346 of the WRN protein (p.Thr346Ile). This variant is not present in population databases (gnomAD no frequency). This variant has not been reported in the literature in individuals affected with WRN-related conditions. ClinVar contains an entry for this variant (Variation ID: 528139). An algorithm developed to predict the effect of missense changes on protein structure and function (PolyPhen-2) suggests that this variant is likely to be tolerated. In summary, the available evidence is currently insufficient to determine the role of this variant in disease. Therefore, it has been classified as a Variant of Uncertain Significance.